The following is an entry in ClinVar:

NM_001374736.1(DST):c.23109A>T (p.Gly7703=)

Gene: DST (dystonin; minus strand). Cytogenetic location: 6p12.1.
Variant type: single nucleotide variant.
Coding change: c.23109A>T on transcript NM_001374736.1 (MANE Select); coding-DNA position 23109, A replaced by T.
Protein change: p.Gly7703=; no amino-acid change (glycine 7703 retained).
Molecular consequence: synonymous variant.
Genome position (GRCh38, 1-based): chr6:56,460,216, T>A on the plus strand (A>T on the coding strand, the complement: DST is on the minus strand). VCF-style: chr6-56460216-T-A. GRCh37 (hg19) VCF-style: chr6-56325014-T-A.
Other names: c.16680A>T, p.Gly5560= (NM_001144769.5); c.16266A>T, p.Gly5422= (NM_001144770.2); c.23037A>T, p.Gly7679= (NM_001374722.1); c.22038A>T, p.Gly7346= (NM_001374729.1); c.15780A>T, p.Gly5260= (NM_001374730.1); c.23064A>T, p.Gly7688= (NM_001374734.1); c.16128A>T, p.Gly5376= (NM_001386100.1); c.15168A>T, p.Gly5056= (NM_015548.5); and 1 more.
Identifiers: ClinVar variation 2190728 (VCV002190728.1), dbSNP rs368992091, ClinGen allele CA3866031.

ClinVar aggregate classification (germline): Uncertain significance (1 of 4 stars; one submission).

Conditions:
Hereditary sensory and autonomic neuropathy type 6. Also called: HSAN VI; Neuropathy, hereditary sensory and autonomic, type VI. Identifiers: Orphanet 314381, MedGen C3539003, MONDO:0013839, OMIM 614653.
Epidermolysis bullosa simplex 3, localized or generalized intermediate, with BP230 deficiency (EBS3). Also called: Epidermolysis bullosa simplex due to BP230 deficiency; Epidermolysis bullosa simplex, autosomal recessive 2. Identifiers: Orphanet 412181, MedGen C3809470, MONDO:0014180, OMIM 615425.

Allele frequency attached by ClinVar (database versions not stated): ExAC 0.00001; gnomAD 0.00001; ESP Exome Variant Server 0.00008.
gnomAD v4.1: 13 of 1,613,850 alleles (0.00081%); highest among the groups gnomAD compares: Non-Finnish European, 0.001%; no homozygotes.

Submission:

Labcorp Genetics (formerly Invitae), Labcorp
Classification: Uncertain significance for Epidermolysis bullosa simplex 3, localized or generalized intermediate, with BP230 deficiency; Hereditary sensory and autonomic neuropathy type 6. Last evaluated: 2022-07-11. Review status: criteria provided, single submitter. Criteria: Invitae Variant Classification Sherloc (09022015). Collection method: clinical testing. Allele origin: germline.
Comment: The DST gene has multiple clinically relevant transcripts. This variant occurs in alternate transcript NM_015548.4, and corresponds to NM_001723.5:c.*155301A>T in the primary transcript. This sequence change affects codon 5056 of the DST mRNA. It is a 'silent' change, meaning that it does not change the encoded amino acid sequence of the DST protein. This variant is not present in population databases (gnomAD no frequency). This variant has not been reported in the literature in individuals affected with DST-related conditions. Experimental studies and prediction algorithms are not available or were not evaluated, and the functional significance of this variant is currently unknown. In summary, the available evidence is currently insufficient to determine the role of this variant in disease. Therefore, it has been classified as a Variant of Uncertain Significance.